The following is an entry in ClinVar:

ClinVar aggregate classification (germline): Uncertain significance. Review status: criteria provided, multiple submitters, no conflicts (2 of 4 stars). 2 submissions from 2 submitters: Uncertain significance (2). Last evaluated 2026-02-05.

Conditions:
Hemolytic uremic syndrome, atypical, susceptibility to, 1. Also called: AHUS, SUSCEPTIBILITY TO, 1. Identifiers: Orphanet 2134, Orphanet 90038, MedGen C2749604, MONDO:0009335, OMIM 235400. Disease mechanism: Other.

Submissions (2):

MVZ Medizinische Genetik Mainz
Classification: Uncertain significance for Hemolytic uremic syndrome, atypical, susceptibility to, 1. Last evaluated: 2026-02-05. Review status: criteria provided, single submitter. Criteria: UK Practice Guidelines For Variant Classification V4 01 2020. Collection method: clinical testing. Allele origin: germline. Inheritance: Autosomal dominant inheritance. Affected: yes. Observed: 1 variant allele.
Comment: ACMG Criteria: PS1_SUP,PM1_SUP,PM2_SUP,PP3

Revvity Omics, Revvity
Classification: Uncertain significance. Last evaluated: 2024-09-12. Review status: criteria provided, single submitter. Criteria: ACMG Guidelines, 2015. Collection method: clinical testing. Allele origin: germline.

NM_000186.4(CFH):c.790G>A (p.Glu264Lys)

Gene: CFH (complement factor H; plus strand). Cytogenetic location: 1q31.3.
Variant type: single nucleotide variant.
Coding change: c.790G>A on transcript NM_000186.4 (MANE Select); coding-DNA position 790, G replaced by A.
Protein change: p.Glu264Lys; replaces glutamic acid 264 with lysine.
Molecular consequence: missense variant.
Genome position (GRCh38, 1-based): chr1:196,679,793, G>A. VCF-style: chr1-196679793-G-A. GRCh37 (hg19) VCF-style: chr1-196648923-G-A.
Other names: c.790G>A, p.Glu264Lys (NM_001014975.3); short protein forms E264K.
Identifiers: ClinVar variation 4078252 (VCV004078252.2).